The following is an entry in ClinVar:

ClinVar aggregate classification (germline): Uncertain significance (1 of 4 stars; one submission).

Submission:

GeneDx
Classification: Uncertain significance. Last evaluated: 2024-12-19. Review status: criteria provided, single submitter. Criteria: GeneDx Variant Classification Process June 2021. Collection method: clinical testing. Allele origin: germline. Affected: yes.
Comment: Not observed at significant frequency in large population cohorts (gnomAD); In silico analysis supports that this missense variant has a deleterious effect on protein structure/function; Has not been previously published as pathogenic or benign to our knowledge

NM_001282116.2(RFX3):c.1232C>T (p.Pro411Leu)

Gene: RFX3 (regulatory factor X3; minus strand). Cytogenetic location: 9p24.2.
Variant type: single nucleotide variant.
Coding change: c.1232C>T on transcript NM_001282116.2 (MANE Select); coding-DNA position 1232, C replaced by T.
Protein change: p.Pro411Leu; replaces proline 411 with leucine.
Molecular consequence: missense variant.
Genome position (GRCh38, 1-based): chr9:3,270,496, G>A on the plus strand (C>T on the coding strand, the complement: RFX3 is on the minus strand). VCF-style: chr9-3270496-G-A. GRCh37 (hg19) VCF-style: chr9-3270496-G-A.
Other names: c.1232C>T, p.Pro411Leu (NM_001377999.1, NM_002919.4, NM_134428.3); short protein forms P411L.
Identifiers: ClinVar variation 3906821 (VCV003906821.1).